The following is an entry in ClinVar:

NM_001009944.3(PKD1):c.9833del (p.Ile3278fs)

Gene: PKD1 (polycystin 1, transient receptor potential channel interacting; minus strand). Cytogenetic location: 16p13.3.
Variant type: Deletion.
Coding change: c.9833del on transcript NM_001009944.3 (MANE Select); coding-DNA position 9833, one base deleted (T; older notation c.9833delT).
Protein change: p.Ile3278fs; shifts the reading frame from isoleucine 3278.
Molecular consequence: frameshift variant.
Genome position (GRCh38, 1-based): chr16:2,099,951, A deleted on the plus strand (T on the coding strand, the reverse complement: PKD1 is on the minus strand). VCF-style (leftmost placement, unchanged base first): chr16-2099950-GA-G. GRCh37 (hg19) VCF-style: chr16-2149951-GA-G.
Other names: c.9833del, p.Ile3278fs (NM_000296.4); short protein forms I3278fs.
Identifiers: ClinVar variation 5040310 (VCV005040310.1).

ClinVar aggregate classification (germline): Pathogenic (1 of 4 stars; one submission).

Submission:

CeGaT Center for Human Genetics Tuebingen
Classification: Pathogenic. Last evaluated: 2026-07-01. Review status: criteria provided, single submitter. Criteria: CeGaT Center For Human Genetics Tuebingen Variant Classification Criteria Version 2. Collection method: clinical testing. Allele origin: germline. Affected: yes. Observed: 1 variant allele.
Comment: PKD1: PVS1, PM2